The following is an entry in ClinVar:

NM_000018.4(ACADVL):c.575T>C (p.Phe192Ser)

Gene: ACADVL (acyl-CoA dehydrogenase very long chain; plus strand). Cytogenetic location: 17p13.1.
Variant type: single nucleotide variant.
Coding change: c.575T>C on transcript NM_000018.4 (MANE Select); coding-DNA position 575, T replaced by C.
Protein change: p.Phe192Ser; replaces phenylalanine 192 with serine.
Molecular consequence: missense variant.
Genome position (GRCh38, 1-based): chr17:7,221,635, T>C. VCF-style: chr17-7221635-T-C. GRCh37 (hg19) VCF-style: chr17-7124954-T-C.
Other names: c.509T>C, p.Phe170Ser (NM_001033859.3); c.644T>C, p.Phe215Ser (NM_001270447.2); c.347T>C, p.Phe116Ser (NM_001270448.2); short protein forms F192S, F170S, F116S, F215S.
Identifiers: ClinVar variation 501313 (VCV000501313.8), dbSNP rs1555528189, ClinGen allele CA397723196.

ClinVar aggregate classification (germline): Uncertain significance. Review status: criteria provided, multiple submitters, no conflicts (2 of 4 stars). 3 submissions from 3 submitters: Uncertain significance (3). Last evaluated 2024-12-17.

Conditions:
Very long chain acyl-CoA dehydrogenase deficiency (ACADVLD). Also called: Very Long-Chain Acyl-Coenzyme A Dehydrogenase Deficiency; VLCAD Deficiency. Identifiers: Orphanet 26793, MedGen C3887523, MONDO:0008723, OMIM 201475.

Submissions (3):

Labcorp Genetics (formerly Invitae), Labcorp
Classification: Uncertain significance for Very long chain acyl-CoA dehydrogenase deficiency. Last evaluated: 2024-12-17. Review status: criteria provided, single submitter. Criteria: Invitae Variant Classification Sherloc (09022015). Collection method: clinical testing. Allele origin: germline.
Comment: This sequence change replaces phenylalanine, which is neutral and non-polar, with serine, which is neutral and polar, at codon 192 of the ACADVL protein (p.Phe192Ser). This variant is not present in population databases (gnomAD no frequency). This missense change has been observed in individual(s) with very long-chain acyl-CoA dehydrogenase (VLCAD) deficiency (internal data). In at least one individual the data is consistent with being in trans (on the opposite chromosome) from a pathogenic variant. ClinVar contains an entry for this variant (Variation ID: 501313). Invitae Evidence Modeling of protein sequence and biophysical properties (such as structural, functional, and spatial information, amino acid conservation, physicochemical variation, residue mobility, and thermodynamic stability) indicates that this missense variant is not expected to disrupt ACADVL protein function with a negative predictive value of 80%. In summary, the available evidence is currently insufficient to determine the role of this variant in disease. Therefore, it has been classified as a Variant of Uncertain Significance.

Wong Mito Lab, Molecular and Human Genetics, Baylor College of Medicine
Classification: Uncertain significance for Very long chain acyl-CoA dehydrogenase deficiency. Last evaluated: 2019-11-01. Review status: criteria provided, single submitter. Criteria: ACMG Guidelines, 2015. Collection method: clinical testing. Allele origin: germline.
Comment: The NM_000018.3:c.575T>C (NP_000009.1:p.Phe192Ser) [GRCH38: NC_000017.11:g.7221635T>C] variant in ACADVL gene is interpretated to be Uncertain Significance based on ACMG guidelines (PMID: 25741868). This variant has been reported. This variant dose not meet any evidence codes reported in the ACMG guidelines.

Eurofins Ntd Llc (ga)
Classification: Uncertain significance. Last evaluated: 2017-04-21. Review status: criteria provided, single submitter. Criteria: EGL Classification Definitions 2015. Collection method: clinical testing. Allele origin: germline. Observed: 2 variant alleles, 2 heterozygotes.